The following is an entry in ClinVar:

NM_001267550.2(TTN):c.71244G>A (p.Trp23748Ter)

Genes: TTN (titin; minus strand), TTN-AS1 (TTN antisense RNA 1; plus strand). Cytogenetic location: 2q31.2.
Variant type: single nucleotide variant.
Coding change: c.71244G>A on transcript NM_001267550.2 (MANE Select); coding-DNA position 71244, G replaced by A.
Protein change: p.Trp23748Ter; replaces tryptophan 23748 with a stop codon.
Molecular consequence: nonsense.
Genome position (GRCh38, 1-based): chr2:178,574,888, C>T on the plus strand (G>A on the coding strand, the complement: TTN is on the minus strand). VCF-style: chr2-178574888-C-T. GRCh37 (hg19) VCF-style: chr2-179439615-C-T.
Other names: c.66321G>A, p.Trp22107Ter (NM_001256850.1); c.44049G>A, p.Trp14683Ter (NM_003319.4); c.63540G>A, p.Trp21180Ter (NM_133378.4); c.44424G>A, p.Trp14808Ter (NM_133432.3); c.44625G>A, p.Trp14875Ter (NM_133437.4); short protein forms W21180*, W23748*, W22107*, W14808*, W14875*, W14683*.
Identifiers: ClinVar variation 2000095 (VCV002000095.4), dbSNP rs2468651285, ClinGen allele CA349658657.

ClinVar aggregate classification (germline): Likely pathogenic (1 of 4 stars; one submission).

Conditions:
Dilated cardiomyopathy 1G (CMD1G). Identifiers: Orphanet 154, MedGen C1858763, MONDO:0011400, OMIM 604145.
Autosomal recessive limb-girdle muscular dystrophy type 2J (LGMDR10). Also called: Limb-girdle muscular dystrophy, type 2J; MUSCULAR DYSTROPHY, LIMB-GIRDLE, AUTOSOMAL RECESSIVE 10. Identifiers: Orphanet 140922, MedGen C1837342, MONDO:0012127, OMIM 608807.

Submission:

Labcorp Genetics (formerly Invitae), Labcorp
Classification: Likely pathogenic for Dilated cardiomyopathy 1G; Autosomal recessive limb-girdle muscular dystrophy type 2J. Last evaluated: 2022-05-28. Review status: criteria provided, single submitter. Criteria: Invitae Variant Classification Sherloc (09022015). Collection method: clinical testing. Allele origin: germline.
Comment: In summary, the currently available evidence indicates that the variant is pathogenic, but additional data are needed to prove that conclusively. Therefore, this variant has been classified as Likely Pathogenic. This variant is located in the A band of TTN (PMID: 25589632). Truncating variants in this region are significantly overrepresented in patients affected with dilated cardiomyopathy (PMID: 25589632). Truncating variants in this region have also been reported in individuals affected with autosomal recessive centronuclear myopathy (PMID: 23975875). This variant has not been reported in the literature in individuals affected with TTN-related conditions. This variant is not present in population databases (gnomAD no frequency). This sequence change creates a premature translational stop signal (p.Trp23748*) in the TTN gene. While this is not anticipated to result in nonsense mediated decay, it is expected to create a truncated TTN protein.

Literature cited by the submitters: PubMed 25589632; PubMed 23975875.